The following is an entry in ClinVar:

NM_001100913.3(PACS2):c.490G>A (p.Val164Ile)

Gene: PACS2 (phosphofurin acidic cluster sorting protein 2; plus strand). Cytogenetic location: 14q32.33.
Variant type: single nucleotide variant.
Coding change: c.490G>A on transcript NM_001100913.3 (MANE Select); coding-DNA position 490, G replaced by A.
Protein change: p.Val164Ile; replaces valine 164 with isoleucine.
Molecular consequence: missense variant.
Genome position (GRCh38, 1-based): chr14:105,367,279, G>A. VCF-style: chr14-105367279-G-A. GRCh37 (hg19) VCF-style: chr14-105833616-G-A.
Other names: c.289G>A, p.Val97Ile (NM_001243127.3); c.490G>A, p.Val164Ile (NM_015197.4); short protein forms V164I, V97I.
Identifiers: ClinVar variation 3011789 (VCV003011789.2), dbSNP rs1555408179, ClinGen allele CA391173325.

ClinVar aggregate classification (germline): Uncertain significance (1 of 4 stars; one submission).

gnomAD v4.1: 12 of 1,613,172 alleles (0.00074%); highest among the groups gnomAD compares: East Asian, 0.0022%; no homozygotes.

Submission:

Labcorp Genetics (formerly Invitae), Labcorp
Classification: Uncertain significance. Last evaluated: 2022-11-10. Review status: criteria provided, single submitter. Criteria: Invitae Variant Classification Sherloc (09022015). Collection method: clinical testing. Allele origin: germline.
Comment: This variant has not been reported in the literature in individuals affected with PACS2-related conditions. The frequency data for this variant in the population databases is considered unreliable, as metrics indicate poor data quality at this position in the gnomAD database. This sequence change replaces valine, which is neutral and non-polar, with isoleucine, which is neutral and non-polar, at codon 164 of the PACS2 protein (p.Val164Ile). Algorithms developed to predict the effect of missense changes on protein structure and function output the following: SIFT: "Tolerated"; PolyPhen-2: "Benign"; Align-GVGD: "Class C0". The isoleucine amino acid residue is found in multiple mammalian species, which suggests that this missense change does not adversely affect protein function. In summary, the available evidence is currently insufficient to determine the role of this variant in disease. Therefore, it has been classified as a Variant of Uncertain Significance.